The following is an entry in ClinVar:

NM_004130.4(GYG1):c.752A>T (p.Asn251Ile)

Gene: GYG1 (glycogenin 1; plus strand). Cytogenetic location: 3q24.
Variant type: single nucleotide variant.
Coding change: c.752A>T on transcript NM_004130.4 (MANE Select); coding-DNA position 752, A replaced by T.
Protein change: p.Asn251Ile; replaces asparagine 251 with isoleucine.
Molecular consequence: missense variant. On other transcripts: intron variant (1).
Genome position (GRCh38, 1-based): chr3:149,024,196, A>T. VCF-style: chr3-149024196-A-T. GRCh37 (hg19) VCF-style: chr3-148741983-A-T.
Other names: c.752A>T, p.Asn251Ile (NM_001184720.2); c.609-2564A>T (NM_001184721.2); short protein forms N251I.
Identifiers: ClinVar variation 1947569 (VCV001947569.5), dbSNP rs1420444890, ClinGen allele CA354908533.

ClinVar aggregate classification (germline): Uncertain significance (1 of 4 stars; one submission).

Conditions:
Glycogen storage disease XV (GSD15). Also called: GLYCOGENIN DEFICIENCY; GSD XV. Identifiers: Orphanet 263297, MedGen C3150754, MONDO:0013291, OMIM 613507.
Polyglucosan body myopathy type 2. Identifiers: Orphanet 456369, MedGen C4015452, MONDO:0014526, OMIM 616199.

Submission:

Labcorp Genetics (formerly Invitae), Labcorp
Classification: Uncertain significance for Polyglucosan body myopathy type 2; Glycogen storage disease XV. Last evaluated: 2022-07-30. Review status: criteria provided, single submitter. Criteria: Invitae Variant Classification Sherloc (09022015). Collection method: clinical testing. Allele origin: germline.
Comment: This variant has not been reported in the literature in individuals affected with GYG1-related conditions. This sequence change replaces asparagine, which is neutral and polar, with isoleucine, which is neutral and non-polar, at codon 251 of the GYG1 protein (p.Asn251Ile). This variant is not present in population databases (gnomAD no frequency). Algorithms developed to predict the effect of missense changes on protein structure and function (SIFT, PolyPhen-2, Align-GVGD) all suggest that this variant is likely to be tolerated. In summary, the available evidence is currently insufficient to determine the role of this variant in disease. Therefore, it has been classified as a Variant of Uncertain Significance.